The following is an entry in ClinVar:

NM_000530.8(MPZ):c.235-1G>T

Gene: MPZ (myelin protein zero; minus strand). Cytogenetic location: 1q23.3.
Variant type: single nucleotide variant.
Coding change: c.235-1G>T on transcript NM_000530.8 (MANE Select); the canonical splice acceptor site of the intron before coding-DNA position 235, G replaced by T.
Molecular consequence: splice acceptor variant.
Genome position (GRCh38, 1-based): chr1:161,306,922, C>A on the plus strand (G>T on the coding strand, the complement: MPZ is on the minus strand). VCF-style: chr1-161306922-C-A. GRCh37 (hg19) VCF-style: chr1-161276712-C-A.
Other names: c.235-1G>T (NM_001315491.2).
Identifiers: ClinVar variation 935883 (VCV000935883.42), dbSNP rs1571819375, ClinGen allele CA343350123.
Genomic context (GRCh38, chr1:161,306,922, plus strand): 5'-GCGCTCTTTGAAGGTCCCCACCTCGTCAATGTAGGGTTGTCCCTTGGCATAGTGGAAGAT[C>A]TATGAGGAATGAGGGGAAGCATGTGAGAGGACCCTAATGAGAACACAGCTGTCAAAGCTT-3'

ClinVar aggregate classification (germline): Pathogenic/Likely pathogenic. Review status: criteria provided, multiple submitters, no conflicts (2 of 4 stars). 2 submissions from 2 submitters: Pathogenic (1); Likely pathogenic (1). Last evaluated 2021-07-01.

Conditions:
Charcot-Marie-Tooth disease, type I (CMT1). Also called: Charcot-Marie-Tooth disease type 1; Charcot-Marie-Tooth, Type 1. Identifiers: Orphanet 65753, MedGen C0751036, MONDO:0019011.

Submissions (2):

CeGaT Center for Human Genetics Tuebingen
Classification: Pathogenic. Last evaluated: 2021-07-01. Review status: criteria provided, single submitter. Criteria: CeGaT Center For Human Genetics Tuebingen Variant Classification Criteria Version 2. Collection method: clinical testing. Allele origin: germline. Affected: yes. Observed: 1 variant allele.

Labcorp Genetics (formerly Invitae), Labcorp
Classification: Likely pathogenic for Charcot-Marie-Tooth disease, type I. Last evaluated: 2019-08-24. Review status: criteria provided, single submitter. Criteria: Invitae Variant Classification Sherloc (09022015). Collection method: clinical testing. Allele origin: germline.
Comment: This sequence change affects an acceptor splice site in intron 2 of the MPZ gene. It is expected to disrupt RNA splicing and likely results in an absent or disrupted protein product. This variant is not present in population databases (ExAC no frequency). This variant has not been reported in the literature in individuals with MPZ-related conditions. Algorithms developed to predict the effect of sequence changes on RNA splicing suggest that this variant may disrupt the consensus splice site, but this prediction has not been confirmed by published transcriptional studies. Donor and acceptor splice site variants typically lead to a loss of protein function (PMID: 16199547), and loss-of-function variants in MPZ are known to be pathogenic (PMID: 14711881). In summary, the currently available evidence indicates that the variant is pathogenic, but additional data are needed to prove that conclusively. Therefore, this variant has been classified as Likely Pathogenic.

Literature cited by the submitters: PubMed 16199547 (cited by Labcorp Genetics (formerly Invitae), Labcorp); PubMed 14711881 (cited by Labcorp Genetics (formerly Invitae), Labcorp).